The following is an entry in ClinVar:

NM_139057.4(ADAMTS17):c.1599G>C (p.Val533=)

Gene: ADAMTS17 (ADAM metallopeptidase with thrombospondin type 1 motif 17; minus strand). Cytogenetic location: 15q26.3.
Variant type: single nucleotide variant.
Coding change: c.1599G>C on transcript NM_139057.4 (MANE Select); coding-DNA position 1599, G replaced by C.
Protein change: p.Val533=; no amino-acid change (valine 533 retained).
Molecular consequence: synonymous variant.
Genome position (GRCh38, 1-based): chr15:100,132,129, C>G on the plus strand (G>C on the coding strand, the complement: ADAMTS17 is on the minus strand). VCF-style: chr15-100132129-C-G. GRCh37 (hg19) VCF-style: chr15-100672334-C-G.
Other names: c.1599G>C (NM_139057.3).
Identifiers: ClinVar variation 1579018 (VCV001579018.12), dbSNP rs200867086, ClinGen allele CA7758153.

ClinVar aggregate classification (germline): Likely benign. Review status: criteria provided, multiple submitters, no conflicts (2 of 4 stars). 4 submissions from 4 submitters: Likely benign (3). 1 of the submissions does not count toward it. Last evaluated 2026-01-27.

Conditions:
ADAMTS17-related disorder. Also called: ADAMTS17-related condition.

Allele frequency attached by ClinVar (database versions not stated): gnomAD exomes 0.00007 and 0.00008; TOPMed 0.00008; ExAC 0.00009; gnomAD 0.00009; ESP Exome Variant Server 0.00015; 1000 Genomes Project 30x 0.00016; 1000 Genomes Project 0.00020.
gnomAD v4.1: 118 of 1,613,960 alleles (0.0073%); highest among the groups gnomAD compares: Middle Eastern, 0.033%; no homozygotes.

Submissions (4):

Labcorp Genetics (formerly Invitae), Labcorp
Classification: Likely benign. Last evaluated: 2026-01-27. Review status: criteria provided, single submitter. Criteria: Invitae Variant Classification Sherloc (09022015). Collection method: clinical testing. Allele origin: germline.

Blueprint Genetics
Classification: Likely benign. Last evaluated: 2024-10-24. Review status: criteria provided, single submitter. Criteria: ACMG Guidelines, 2015. Collection method: clinical testing. Allele origin: germline.

Breakthrough Genomics
Classification: Likely benign. Review status: criteria provided, single submitter. Criteria: ACMG Guidelines, 2015. Collection method: not provided. Allele origin: germline. Inheritance: Autosomal recessive inheritance. Affected: yes.

PreventionGenetics, part of Exact Sciences
Classification: Likely benign for ADAMTS17-related condition. Last evaluated: 2019-03-07. Review status: no assertion criteria provided. Collection method: clinical testing. Allele origin: germline. Not counted in ClinVar's aggregate classification.
Comment: This variant is classified as likely benign based on ACMG/AMP sequence variant interpretation guidelines (Richards et al. 2015 PMID: 25741868, with internal and published modifications).